The following is an entry in ClinVar:

ClinVar aggregate classification (germline): Uncertain significance. Review status: criteria provided, multiple submitters, no conflicts (2 of 4 stars). 2 submissions from 2 submitters: Uncertain significance (2). Last evaluated 2025-08-25.

Allele frequency attached by ClinVar (database versions not stated): gnomAD exomes below 0.00001; TOPMed below 0.00001.
gnomAD v4.1: 2 of 1,613,860 alleles (0.00012%); highest among the groups gnomAD compares: African/African-American, 0.0027%; no homozygotes.

Submissions (2):

Labcorp Genetics (formerly Invitae), Labcorp
Classification: Uncertain significance. Last evaluated: 2025-08-25. Review status: criteria provided, single submitter. Criteria: Invitae Variant Classification Sherloc (09022015). Collection method: clinical testing. Allele origin: germline.
Comment: This sequence change replaces glycine, which is neutral and non-polar, with serine, which is neutral and polar, at codon 112 of the OPA1 protein (p.Gly112Ser). This variant is present in population databases (no rsID available, gnomAD 0.01%). This variant has not been reported in the literature in individuals affected with OPA1-related conditions. ClinVar contains an entry for this variant (Variation ID: 1972807). Invitae Evidence Modeling of protein sequence and biophysical properties (such as structural, functional, and spatial information, amino acid conservation, physicochemical variation, residue mobility, and thermodynamic stability) indicates that this missense variant is not expected to disrupt OPA1 protein function with a negative predictive value of 80%. In summary, the available evidence is currently insufficient to determine the role of this variant in disease. Therefore, it has been classified as a Variant of Uncertain Significance.

GeneDx
Classification: Uncertain significance. Last evaluated: 2025-07-28. Review status: criteria provided, single submitter. Criteria: GeneDx Variant Classification Process June 2021. Collection method: clinical testing. Allele origin: germline.
Comment: In silico analysis supports that this missense variant has a deleterious effect on protein structure/function; Has not been previously published as pathogenic or benign to our knowledge

NM_130837.3(OPA1):c.334G>A (p.Gly112Ser)

Gene: OPA1 (OPA1 mitochondrial dynamin like GTPase; plus strand). Cytogenetic location: 3q29.
Variant type: single nucleotide variant.
Coding change: c.334G>A on transcript NM_130837.3 (MANE Select); coding-DNA position 334, G replaced by A.
Protein change: p.Gly112Ser; replaces glycine 112 with serine.
Molecular consequence: missense variant. On other transcripts: 5 prime UTR variant (2).
Genome position (GRCh38, 1-based): chr3:193,615,024, G>A. VCF-style: chr3-193615024-G-A. GRCh37 (hg19) VCF-style: chr3-193332813-G-A.
Other names: c.-39G>A (NM_001354663.2, NM_001354664.2); c.334G>A, p.Gly112Ser (NM_015560.3, NM_130831.3, NM_130832.3 and 4 more transcripts); short protein forms G112S.
Identifiers: ClinVar variation 1972807 (VCV001972807.7), dbSNP rs1228523553, ClinGen allele CA355786980.